The following is an entry in ClinVar:

NM_006204.4(PDE6C):c.319A>C (p.Ile107Leu)

Gene: PDE6C (phosphodiesterase 6C; plus strand). Cytogenetic location: 10q23.33.
Variant type: single nucleotide variant.
Coding change: c.319A>C on transcript NM_006204.4 (MANE Select); coding-DNA position 319, A replaced by C.
Protein change: p.Ile107Leu; replaces isoleucine 107 with leucine.
Molecular consequence: missense variant.
Genome position (GRCh38, 1-based): chr10:93,613,044, A>C. VCF-style: chr10-93613044-A-C. GRCh37 (hg19) VCF-style: chr10-95372801-A-C.
Other names: short protein forms I107L.
Identifiers: ClinVar variation 1948371 (VCV001948371.5), dbSNP rs1261175342, ClinGen allele CA377622498.
Genomic context (GRCh38, chr10:93,613,044, plus strand): 5'-CTGGCCCACCTGCTCCAGGCTGACCGCTGCAGCATGTTCCTGTGCCGGTCCCGGAACGGC[A>C]TACCTGAGGTGGCCTCTAGGTTGCTGGATGTCACCCCCACCTCCAAGTTTGAGGACAACC-3'
Protein context (NP_006195.3, residues 97-117): SMFLCRSRNG[Ile107Leu]PEVASRLLDV

ClinVar aggregate classification (germline): Uncertain significance (1 of 4 stars; one submission).

gnomAD v4.1: 3 of 1,614,194 alleles (0.00019%); highest among the groups gnomAD compares: Non-Finnish European, 0.00025%; no homozygotes.

Submission:

Labcorp Genetics (formerly Invitae), Labcorp
Classification: Uncertain significance. Last evaluated: 2022-04-29. Review status: criteria provided, single submitter. Criteria: Invitae Variant Classification Sherloc (09022015). Collection method: clinical testing. Allele origin: germline.
Comment: This variant has not been reported in the literature in individuals affected with PDE6C-related conditions. This variant is not present in population databases (gnomAD no frequency). This sequence change replaces isoleucine, which is neutral and non-polar, with leucine, which is neutral and non-polar, at codon 107 of the PDE6C protein (p.Ile107Leu). In summary, the available evidence is currently insufficient to determine the role of this variant in disease. Therefore, it has been classified as a Variant of Uncertain Significance. Algorithms developed to predict the effect of missense changes on protein structure and function (SIFT, PolyPhen-2, Align-GVGD) all suggest that this variant is likely to be tolerated.